The following is an entry in ClinVar:

ClinVar aggregate classification (germline): Uncertain significance (3 of 4 stars; one submission).

Conditions:
Open-angle glaucoma. Identifiers: MedGen C0017612, MONDO:0005338, HP:0012108.

Submission:

ClinGen Glaucoma Variant Curation Expert Panel
Classification: Uncertain significance for Open-angle glaucoma. Last evaluated: 2026-01-12. Review status: reviewed by expert panel. Criteria: ClinGen Glaucoma ACMG Specifications V2.0.0 Approved. Collection method: curation. Allele origin: germline. Inheritance: Autosomal dominant inheritance.
Comment: The c.1466_1467insC variant in MYOC is an insertion of a single nucleotide, predicted to encode a frameshift with consequent premature termination of the protein at codon 10 of the frameshift (p.Trp489CysfsTer10). This variant is predicted to involve < 10% of the protein within the conserved olfactomedin domain, meeting PM4_Supporting. PVS1 did not apply, as the disease mechanism for MYOC variants associated with primary open angle glaucoma (POAG) is not loss-of-function. This variant was not found in any genetic ancestry group of gnomAD (v4.1.0), meeting the ≤ 0.0001 threshold set for PM2_Supporting in a genetic ancestry group of at least 10,000 alleles. There was no computational or functional evidence predicting a damaging or benign impact of this variant on MYOC function. Only 1 proband with POAG had been reported (PMID: 10916185), not meeting the ≥ 2 probands threshold required to meet PS4_Supporting. In summary, this variant met the criteria to receive a score of 2 and to be classified as a variant of uncertain significance (uncertain significance classification range -1 to 5, adapted from PMID: 32720330) for primary open angle glaucoma based on the ACMG/AMP criteria met, as specified by the ClinGen Glaucoma VCEP (v2.0.0, 5 Dec 2024): PM2_Supporting, PM4_Supporting

NM_000261.2(MYOC):c.1466_1467insC (p.Trp489fs)

Gene: MYOC (myocilin; minus strand). Cytogenetic location: 1q24.3.
Variant type: Insertion.
Coding change: c.1466_1467insC on transcript NM_000261.2 (MANE Select); coding-DNA positions 1466 to 1467, C inserted.
Protein change: p.Trp489fs; shifts the reading frame from tryptophan 489.
Molecular consequence: frameshift variant.
Genome position: GRCh38 VCF-style: chr1-171635973-C-CG. GRCh37 (hg19) VCF-style: chr1-171605113-C-CG.
Other names: NM_000261.2:c.1466_1467insC; short protein forms W489fs.
Identifiers: ClinVar variation 2505293 (VCV002505293.2), dbSNP rs2527837990, ClinGen allele CA1139771053.